The following is an entry in ClinVar:

ClinVar aggregate classification (germline): Uncertain significance (1 of 4 stars; one submission).

Conditions:
Cardiovascular phenotype. Identifiers: MedGen CN230736.

Submission:

Ambry Genetics
Classification: Uncertain significance for Cardiovascular phenotype. Last evaluated: 2025-10-28. Review status: criteria provided, single submitter. Criteria: Ambry Variant Classification Scheme 2023. Collection method: clinical testing. Allele origin: germline.
Comment: The p.E242D variant (also known as c.726G>C), located in coding exon 7 of the SPRED1 gene, results from a G to C substitution at nucleotide position 726. The glutamic acid at codon 242 is replaced by aspartic acid, an amino acid with highly similar properties. This amino acid position is conserved. In addition, this alteration is predicted to be tolerated by in silico analysis. Based on the available evidence, the clinical significance of this variant remains unclear.

NM_152594.3(SPRED1):c.726G>C (p.Glu242Asp)

Gene: SPRED1 (sprouty related EVH1 domain containing 1; plus strand). Cytogenetic location: 15q14.
Variant type: single nucleotide variant.
Coding change: c.726G>C on transcript NM_152594.3 (MANE Select); coding-DNA position 726, G replaced by C.
Protein change: p.Glu242Asp; replaces glutamic acid 242 with aspartic acid.
Molecular consequence: missense variant.
Genome position (GRCh38, 1-based): chr15:38,351,055, G>C. VCF-style: chr15-38351055-G-C. GRCh37 (hg19) VCF-style: chr15-38643256-G-C.
Other names: short protein forms E242D.
Identifiers: ClinVar variation 4615020 (VCV004615020.1).